The following is an entry in ClinVar:

NM_005876.5(SPEG):c.1451G>C (p.Arg484Pro)

Gene: SPEG (striated muscle enriched protein kinase; plus strand). Cytogenetic location: 2q35.
Variant type: single nucleotide variant.
Coding change: c.1451G>C on transcript NM_005876.5 (MANE Select); coding-DNA position 1451, G replaced by C.
Protein change: p.Arg484Pro; replaces arginine 484 with proline.
Molecular consequence: missense variant.
Genome position (GRCh38, 1-based): chr2:219,448,609, G>C. VCF-style: chr2-219448609-G-C. GRCh37 (hg19) VCF-style: chr2-220313331-G-C.
Other names: short protein forms R484P.
Identifiers: ClinVar variation 2005959 (VCV002005959.4), dbSNP rs1341602626, ClinGen allele CA350719901.

ClinVar aggregate classification (germline): Uncertain significance (1 of 4 stars; one submission).

Submission:

Labcorp Genetics (formerly Invitae), Labcorp
Classification: Uncertain significance. Last evaluated: 2022-06-13. Review status: criteria provided, single submitter. Criteria: Invitae Variant Classification Sherloc (09022015). Collection method: clinical testing. Allele origin: germline.
Comment: In summary, the available evidence is currently insufficient to determine the role of this variant in disease. Therefore, it has been classified as a Variant of Uncertain Significance. Advanced modeling of protein sequence and biophysical properties (such as structural, functional, and spatial information, amino acid conservation, physicochemical variation, residue mobility, and thermodynamic stability) performed at Invitae indicates that this missense variant is expected to disrupt SPEG protein function. This variant has not been reported in the literature in individuals affected with SPEG-related conditions. This variant is not present in population databases (gnomAD no frequency). This sequence change replaces arginine, which is basic and polar, with proline, which is neutral and non-polar, at codon 484 of the SPEG protein (p.Arg484Pro).